The following is an entry in ClinVar:

NM_004655.4(AXIN2):c.1330T>C (p.Ser444Pro)

Gene: AXIN2 (axin 2; minus strand). Cytogenetic location: 17q24.1.
Variant type: single nucleotide variant.
Coding change: c.1330T>C on transcript NM_004655.4 (MANE Select); coding-DNA position 1330, T replaced by C.
Protein change: p.Ser444Pro; replaces serine 444 with proline.
Molecular consequence: missense variant.
Genome position (GRCh38, 1-based): chr17:65,537,706, A>G on the plus strand (T>C on the coding strand, the complement: AXIN2 is on the minus strand). VCF-style: chr17-65537706-A-G. GRCh37 (hg19) VCF-style: chr17-63533824-A-G.
Other names: c.1330T>C, p.Ser444Pro (NM_001363813.1); short protein forms S444P.
Identifiers: ClinVar variation 2447022 (VCV002447022.3), dbSNP rs2144465775, ClinGen allele CA400677714.

ClinVar aggregate classification (germline): Uncertain significance (1 of 4 stars; one submission).

Conditions:
Hereditary cancer-predisposing syndrome. Also called: Neoplastic Syndromes, Hereditary; Hereditary Cancer Syndrome; Tumor predisposition; Hereditary neoplastic syndrome. Identifiers: Orphanet 140162, MedGen C0027672, MeSH D009386, MONDO:0015356.

Submission:

Ambry Genetics
Classification: Uncertain significance for Hereditary cancer-predisposing syndrome. Last evaluated: 2025-04-16. Review status: criteria provided, single submitter. Criteria: Ambry Variant Classification Scheme 2023. Collection method: clinical testing. Allele origin: germline.
Comment: The p.S444P variant (also known as c.1330T>C), located in coding exon 5 of the AXIN2 gene, results from a T to C substitution at nucleotide position 1330. The serine at codon 444 is replaced by proline, an amino acid with similar properties. This amino acid position is well conserved in available vertebrate species. In addition, this alteration is predicted to be deleterious by in silico analysis. Based on the available evidence, the clinical significance of this variant remains unclear.